The following is an entry in ClinVar:

ClinVar aggregate classification (germline): Uncertain significance. Review status: criteria provided, multiple submitters, no conflicts (2 of 4 stars). 2 submissions from 2 submitters: Uncertain significance (2). Last evaluated 2021-08-26.

Conditions:
Hypertrophic cardiomyopathy 10. Also called: MYL2-Related Familial Hypertrophic Cardiomyopathy; CARDIOMYOPATHY, HYPERTROPHIC, MID-LEFT VENTRICULAR CHAMBER TYPE, 2. Identifiers: MedGen C1834460, MONDO:0012112, OMIM 608758.

Submissions (2):

Labcorp Genetics (formerly Invitae), Labcorp
Classification: Uncertain significance for Hypertrophic cardiomyopathy 10. Last evaluated: 2021-08-26. Review status: criteria provided, single submitter. Criteria: Invitae Variant Classification Sherloc (09022015). Collection method: clinical testing. Allele origin: germline.

GeneDx
Classification: Uncertain significance. Last evaluated: 2019-12-31. Review status: criteria provided, single submitter. Criteria: GeneDx Variant Classification Process June 2021. Collection method: clinical testing. Allele origin: germline. Affected: yes.
Comment: Not observed in large population cohorts (Lek et al., 2016); In silico analysis, which includes protein predictors and evolutionary conservation, supports a deleterious effect; Has not been previously published as pathogenic or benign to our knowledge

NM_000432.4(MYL2):c.232A>G (p.Asn78Asp)

Gene: MYL2 (myosin light chain 2; minus strand). Cytogenetic location: 12q24.11.
Variant type: single nucleotide variant.
Coding change: c.232A>G on transcript NM_000432.4 (MANE Select); coding-DNA position 232, A replaced by G.
Protein change: p.Asn78Asp; replaces asparagine 78 with aspartic acid.
Molecular consequence: missense variant.
Genome position (GRCh38, 1-based): chr12:110,914,228, T>C on the plus strand (A>G on the coding strand, the complement: MYL2 is on the minus strand). VCF-style: chr12-110914228-T-C. GRCh37 (hg19) VCF-style: chr12-111352032-T-C.
Other names: short protein forms N78D.
Identifiers: ClinVar variation 1051071 (VCV001051071.6), dbSNP rs2136772211, ClinGen allele CA386698731.